The following is an entry in ClinVar:

NM_000245.4(MET):c.2006T>G (p.Met669Arg)

Gene: MET (MET proto-oncogene, receptor tyrosine kinase; plus strand). Cytogenetic location: 7q31.2.
Variant type: single nucleotide variant.
Coding change: c.2006T>G on transcript NM_000245.4 (MANE Select); coding-DNA position 2006, T replaced by G.
Protein change: p.Met669Arg; replaces methionine 669 with arginine.
Molecular consequence: missense variant.
Genome position (GRCh38, 1-based): chr7:116,757,678, T>G. VCF-style: chr7-116757678-T-G. GRCh37 (hg19) VCF-style: chr7-116397732-T-G.
Other names: c.2006T>G, p.Met669Arg (NM_001127500.3, NM_001324401.3); c.716T>G, p.Met239Arg (NM_001324402.2); short protein forms M669R, M239R.
Identifiers: ClinVar variation 4741089 (VCV004741089.1).

ClinVar aggregate classification (germline): Uncertain significance (1 of 4 stars; one submission).

Conditions:
Renal cell carcinoma. Identifiers: Orphanet 217071, MedGen C0007134, MeSH D002292, MONDO:0005086, HP:0005584.

Submission:

Labcorp Genetics (formerly Invitae), Labcorp
Classification: Uncertain significance for Renal cell carcinoma. Last evaluated: 2025-10-06. Review status: criteria provided, single submitter. Criteria: Invitae Variant Classification Sherloc (09022015). Collection method: clinical testing. Allele origin: germline.
Comment: This sequence change replaces methionine, which is neutral and non-polar, with arginine, which is basic and polar, at codon 669 of the MET protein (p.Met669Arg). This variant is not present in population databases (gnomAD no frequency). This variant has not been reported in the literature in individuals affected with MET-related conditions. Invitae Evidence Modeling of protein sequence and biophysical properties (such as structural, functional, and spatial information, amino acid conservation, physicochemical variation, residue mobility, and thermodynamic stability) indicates that this missense variant is not expected to disrupt MET protein function with a negative predictive value of 80%. In summary, the available evidence is currently insufficient to determine the role of this variant in disease. Therefore, it has been classified as a Variant of Uncertain Significance.